The following is an entry in ClinVar:

ClinVar aggregate classification (germline): Uncertain significance (1 of 4 stars; one submission).

Conditions:
Mitochondrial hypertrophic cardiomyopathy with lactic acidosis due to MTO1 deficiency. Also called: CARDIOMYOPATHY, INFANTILE HYPERTROPHIC MITOCHONDRIAL, AND LACTIC ACIDOSIS; Combined oxidative phosphorylation deficiency 10. Identifiers: Orphanet 314637, MedGen C4749921, MONDO:0013865, OMIM 614702.

Allele frequency attached by ClinVar (database versions not stated): gnomAD 0.00001; gnomAD exomes 0.00001; ExAC 0.00002; ESP Exome Variant Server 0.00008.
gnomAD v4.1: 7 of 1,612,690 alleles (0.00043%); highest among the groups gnomAD compares: Middle Eastern, 0.017%; no homozygotes.

Submission:

Labcorp Genetics (formerly Invitae), Labcorp
Classification: Uncertain significance for Mitochondrial hypertrophic cardiomyopathy with lactic acidosis due to MTO1 deficiency. Last evaluated: 2022-06-30. Review status: criteria provided, single submitter. Criteria: Invitae Variant Classification Sherloc (09022015). Collection method: clinical testing. Allele origin: germline.
Comment: This sequence change replaces glutamic acid, which is acidic and polar, with glycine, which is neutral and non-polar, at codon 319 of the MTO1 protein (p.Glu319Gly). This variant is present in population databases (rs376396609, gnomAD 0.01%). This variant has not been reported in the literature in individuals affected with MTO1-related conditions. Algorithms developed to predict the effect of missense changes on protein structure and function are either unavailable or do not agree on the potential impact of this missense change (SIFT: "Deleterious"; PolyPhen-2: "Probably Damaging"; Align-GVGD: "Class C0"). In summary, the available evidence is currently insufficient to determine the role of this variant in disease. Therefore, it has been classified as a Variant of Uncertain Significance.

NM_012123.4(MTO1):c.956A>G (p.Glu319Gly)

Gene: MTO1 (mitochondrial tRNA translation optimization 1; plus strand). Cytogenetic location: 6q13.
Variant type: single nucleotide variant.
Coding change: c.956A>G on transcript NM_012123.4 (MANE Select); coding-DNA position 956, A replaced by G.
Protein change: p.Glu319Gly; replaces glutamic acid 319 with glycine.
Molecular consequence: missense variant.
Genome position (GRCh38, 1-based): chr6:73,479,953, A>G. VCF-style: chr6-73479953-A-G. GRCh37 (hg19) VCF-style: chr6-74189676-A-G.
Other names: c.956A>G, p.Glu319Gly (NM_001123226.2, NM_133645.3); short protein forms E319G.
Identifiers: ClinVar variation 1441608 (VCV001441608.5), dbSNP rs376396609, ClinGen allele CA3889487.